The following is an entry in ClinVar:

ClinVar aggregate classification (germline): Likely pathogenic. Review status: criteria provided, multiple submitters, no conflicts (2 of 4 stars). 2 submissions from 2 submitters: Likely pathogenic (2). Last evaluated 2025-04-14.

Conditions:
Leigh syndrome (NULS). Also called: Leigh's syndrome; Leigh Disease; Subacute necrotizing encephalopathy; Necrotizing encephalopathy infantile subacute of Leigh; Leigh's necrotizing encephalopathy; Leigh's disease. Identifiers: Orphanet 506, MedGen C2931891, MONDO:0009723, OMIM 256000.

Allele frequency attached by ClinVar (database versions not stated): gnomAD exomes below 0.00001.

Submissions (2):

GeneDx
Classification: Likely pathogenic. Last evaluated: 2025-04-14. Review status: criteria provided, single submitter. Criteria: GeneDx Variant Classification Process June 2021. Collection method: clinical testing. Allele origin: germline. Affected: yes.
Comment: In silico analysis supports that this missense variant has a deleterious effect on protein structure/function; Not observed at significant frequency in large population cohorts (gnomAD); This variant is associated with the following publications: (PMID: 11288709, 27826120, 24262866, 33771987)

Labcorp Genetics (formerly Invitae), Labcorp
Classification: Likely pathogenic for Leigh syndrome. Last evaluated: 2025-01-06. Review status: criteria provided, single submitter. Criteria: Invitae Variant Classification Sherloc (09022015). Collection method: clinical testing. Allele origin: germline.
Comment: This sequence change replaces glycine, which is neutral and non-polar, with arginine, which is basic and polar, at codon 180 of the SURF1 protein (p.Gly180Arg). This variant is not present in population databases (gnomAD no frequency). This missense change has been observed in individual(s) with Leigh syndrome (PMID: 24262866, 27826120). ClinVar contains an entry for this variant (Variation ID: 1517342). Invitae Evidence Modeling of protein sequence and biophysical properties (such as structural, functional, and spatial information, amino acid conservation, physicochemical variation, residue mobility, and thermodynamic stability) indicates that this missense variant is expected to disrupt SURF1 protein function with a positive predictive value of 95%. This variant disrupts the p.Gly180 amino acid residue in SURF1. Other variant(s) that disrupt this residue have been observed in individuals with SURF1-related conditions (PMID: 11288709), which suggests that this may be a clinically significant amino acid residue. In summary, the currently available evidence indicates that the variant is pathogenic, but additional data are needed to prove that conclusively. Therefore, this variant has been classified as Likely Pathogenic.

Literature cited by the submitters: PubMed 24262866 (cited by Labcorp Genetics (formerly Invitae), Labcorp); PubMed 27826120 (cited by Labcorp Genetics (formerly Invitae), Labcorp); PubMed 11288709 (cited by Labcorp Genetics (formerly Invitae), Labcorp).

NM_003172.4(SURF1):c.538G>C (p.Gly180Arg)

Gene: SURF1 (SURF1 cytochrome c oxidase assembly factor; minus strand). Cytogenetic location: 9q34.2.
Variant type: single nucleotide variant.
Coding change: c.538G>C on transcript NM_003172.4 (MANE Select); coding-DNA position 538, G replaced by C.
Protein change: p.Gly180Arg; replaces glycine 180 with arginine.
Molecular consequence: missense variant.
Genome position (GRCh38, 1-based): chr9:133,352,744, C>G on the plus strand (G>C on the coding strand, the complement: SURF1 is on the minus strand). VCF-style: chr9-133352744-C-G. GRCh37 (hg19) VCF-style: chr9-136219599-C-G.
Other names: c.538G>C (NM_003172.2); c.211G>C, p.Gly71Arg (NM_001280787.1); short protein forms G180R, G71R.
Identifiers: ClinVar variation 1517342 (VCV001517342.6), dbSNP rs1444801979, ClinGen allele CA375694063.